The following is an entry in ClinVar:

NM_001042492.3(NF1):c.4374A>C (p.Glu1458Asp)

Gene: NF1 (neurofibromin 1; plus strand). Cytogenetic location: 17q11.2.
Variant type: single nucleotide variant.
Coding change: c.4374A>C on transcript NM_001042492.3 (MANE Select); coding-DNA position 4374, A replaced by C.
Protein change: p.Glu1458Asp; replaces glutamic acid 1458 with aspartic acid.
Molecular consequence: missense variant.
Genome position (GRCh38, 1-based): chr17:31,259,073, A>C. VCF-style: chr17-31259073-A-C. GRCh37 (hg19) VCF-style: chr17-29586091-A-C.
Other names: c.4311A>C, p.Glu1437Asp (NM_000267.4); short protein forms E1437D, E1458D.
Identifiers: ClinVar variation 2737137 (VCV002737137.4), dbSNP rs1597745662, ClinGen allele CA398998819.

ClinVar aggregate classification (germline): Pathogenic/Likely pathogenic. Review status: criteria provided, multiple submitters, no conflicts (2 of 4 stars). 2 submissions from 2 submitters: Pathogenic (1); Likely pathogenic (1). Last evaluated 2026-02-19.

Conditions:
Neurofibromatosis, type 1 (NF1). Also called: VON RECKLINGHAUSEN DISEASE; NEUROFIBROMATOSIS, TYPE I, SOMATIC; Peripheral type neurofibromatosis; Neurofibromatosis, type I. Identifiers: Orphanet 636, MedGen C0027831, MONDO:0018975, OMIM 162200. Disease mechanism: loss of function.

Submissions (2):

GeneDx
Classification: Likely pathogenic. Last evaluated: 2026-02-19. Review status: criteria provided, single submitter. Criteria: GeneDx Variant Classification Process June 2021. Collection method: clinical testing. Allele origin: germline.
Comment: Not observed at significant frequency in large population cohorts (gnomAD); In silico analysis supports that this missense variant has a deleterious effect on protein structure/function; Has not been previously published as pathogenic or benign to our knowledge in a patient with a NF1-related disorder; This variant is associated with the following publications: (PMID: 22807134, 25486365, 40225167)

Labcorp Genetics (formerly Invitae), Labcorp
Classification: Pathogenic for Neurofibromatosis, type 1. Last evaluated: 2023-07-24. Review status: criteria provided, single submitter. Criteria: Invitae Variant Classification Sherloc (09022015). Collection method: clinical testing. Allele origin: germline.
Comment: This sequence change replaces glutamic acid, which is acidic and polar, with aspartic acid, which is acidic and polar, at codon 1437 of the NF1 protein (p.Glu1437Asp). This variant is not present in population databases (gnomAD no frequency). This missense change has been observed in individual(s) with clinical features of NF1-related conditions (Invitae). In at least one individual the variant was observed to be de novo. Advanced modeling of protein sequence and biophysical properties (such as structural, functional, and spatial information, amino acid conservation, physicochemical variation, residue mobility, and thermodynamic stability) performed at Invitae indicates that this missense variant is expected to disrupt NF1 protein function. This variant disrupts the p.Glu1437 amino acid residue in NF1. Other variant(s) that disrupt this residue have been determined to be pathogenic (PMID: 28961165). This suggests that this residue is clinically significant, and that variants that disrupt this residue are likely to be disease-causing. For these reasons, this variant has been classified as Pathogenic.

Literature cited by the submitters: PubMed 28961165 (cited by Labcorp Genetics (formerly Invitae), Labcorp).